The following is an entry in ClinVar:

NM_001243279.3(ACSF3):c.1671G>A (p.Pro557=)

Gene: ACSF3 (acyl-CoA synthetase family member 3; plus strand). Cytogenetic location: 16q24.3.
Variant type: single nucleotide variant.
Coding change: c.1671G>A on transcript NM_001243279.3 (MANE Select); coding-DNA position 1671, G replaced by A.
Protein change: p.Pro557=; no amino-acid change (proline 557 retained).
Molecular consequence: synonymous variant. On other transcripts: non-coding transcript variant (4).
Genome position (GRCh38, 1-based): chr16:89,154,147, G>A. VCF-style: chr16-89154147-G-A. GRCh37 (hg19) VCF-style: chr16-89220555-G-A.
Other names: c.1671G>A (NM_174917.3, NM_174917.4); c.1671G>A, p.Pro557= (NM_001127214.4, NM_174917.5); c.876G>A, p.Pro292= (NM_001284316.2).
Identifiers: ClinVar variation 1128235 (VCV001128235.15), dbSNP rs747338200, ClinGen allele CA8238369.

ClinVar aggregate classification (germline): Conflicting classifications of pathogenicity. Review status: criteria provided, conflicting classifications (1 of 4 stars). 4 submissions from 4 submitters: Uncertain significance (1); Likely benign (2). 1 of the submissions does not count toward it. Last evaluated 2024-04-19.

Conditions:
Inborn genetic diseases. Identifiers: MedGen C0950123, MeSH D030342.
ACSF3-related disorder. Also called: ACSF3-related condition.
Combined malonic and methylmalonic acidemia. Identifiers: Orphanet 289504, MedGen C3280314, MONDO:0013661, OMIM 614265.

Allele frequency attached by ClinVar (database versions not stated): ExAC 0.00001; TOPMed 0.00001; gnomAD exomes 0.00002.
gnomAD v4.1: 26 of 1,613,372 alleles (0.0016%); highest among the groups gnomAD compares: Non-Finnish European, 0.0019%; no homozygotes.

Submissions (4):

Ambry Genetics
Classification: Likely benign for Inborn genetic diseases. Last evaluated: 2024-04-19. Review status: criteria provided, single submitter. Criteria: Ambry Variant Classification Scheme 2023. Collection method: clinical testing. Allele origin: germline.

Labcorp Genetics (formerly Invitae), Labcorp
Classification: Likely benign for Combined malonic and methylmalonic acidemia. Last evaluated: 2024-02-05. Review status: criteria provided, single submitter. Criteria: Invitae Variant Classification Sherloc (09022015). Collection method: clinical testing. Allele origin: germline.

Genome-Nilou Lab
Classification: Uncertain significance for Combined malonic and methylmalonic acidemia. Last evaluated: 2021-07-14. Review status: criteria provided, single submitter. Criteria: ACMG Guidelines, 2015. Collection method: clinical testing. Allele origin: germline. Affected: no.

PreventionGenetics, part of Exact Sciences
Classification: Likely benign for ACSF3-related condition. Last evaluated: 2019-04-01. Review status: no assertion criteria provided. Collection method: clinical testing. Allele origin: germline. Not counted in ClinVar's aggregate classification.
Comment: This variant is classified as likely benign based on ACMG/AMP sequence variant interpretation guidelines (Richards et al. 2015 PMID: 25741868, with internal and published modifications).